The following is an entry in ClinVar:

NM_001270508.2(TNFAIP3):c.1580A>C (p.Asp527Ala)

Gene: TNFAIP3 (TNF alpha induced protein 3; plus strand). Cytogenetic location: 6q23.3.
Variant type: single nucleotide variant.
Coding change: c.1580A>C on transcript NM_001270508.2 (MANE Select); coding-DNA position 1580, A replaced by C.
Protein change: p.Asp527Ala; replaces aspartic acid 527 with alanine.
Molecular consequence: missense variant.
Genome position (GRCh38, 1-based): chr6:137,879,025, A>C. VCF-style: chr6-137879025-A-C. GRCh37 (hg19) VCF-style: chr6-138200162-A-C.
Other names: c.1580A>C, p.Asp527Ala (NM_001270507.2, NM_006290.4); short protein forms D527A.
Identifiers: ClinVar variation 938628 (VCV000938628.9), dbSNP rs1776349161, ClinGen allele CA365793004.

ClinVar aggregate classification (germline): Uncertain significance (1 of 4 stars; one submission).

Submission:

Labcorp Genetics (formerly Invitae), Labcorp
Classification: Uncertain significance. Last evaluated: 2019-10-17. Review status: criteria provided, single submitter. Criteria: Invitae Variant Classification Sherloc (09022015). Collection method: clinical testing. Allele origin: germline.
Comment: In summary, the available evidence is currently insufficient to determine the role of this variant in disease. Therefore, it has been classified as a Variant of Uncertain Significance. Algorithms developed to predict the effect of missense changes on protein structure and function are either unavailable or do not agree on the potential impact of this missense change (SIFT: "Tolerated"; PolyPhen-2: "Benign"; Align-GVGD: "Class C0"). This variant has not been reported in the literature in individuals with TNFAIP3-related conditions. This variant is not present in population databases (ExAC no frequency). This sequence change replaces aspartic acid with alanine at codon 527 of the TNFAIP3 protein (p.Asp527Ala). The aspartic acid residue is highly conserved and there is a moderate physicochemical difference between aspartic acid and alanine.